The following is an entry in ClinVar:

ClinVar aggregate classification (germline): Likely benign. Review status: criteria provided, multiple submitters, no conflicts (2 of 4 stars). 3 submissions from 3 submitters: Likely benign (3). Last evaluated 2025-12-27.

Conditions:
Primary ciliary dyskinesia. Also called: Ciliary dyskinesia. Identifiers: Orphanet 244, MedGen C0008780, MONDO:0016575, HP:0012265.
RPGR-related disorder. Also called: RPGR-related condition.

Allele frequency attached by ClinVar (database versions not stated): gnomAD exomes 0.00001; ExAC 0.00013; gnomAD 0.00013; ESP Exome Variant Server 0.00039.
gnomAD v4.1: 22 of 1,149,373 alleles (0.0019%); highest among the groups gnomAD compares: African/African-American, 0.037%; no homozygotes.

Submissions (3):

Labcorp Genetics (formerly Invitae), Labcorp
Classification: Likely benign for Primary ciliary dyskinesia. Last evaluated: 2025-12-27. Review status: criteria provided, single submitter. Criteria: Invitae Variant Classification Sherloc (09022015). Collection method: clinical testing. Allele origin: germline.

PreventionGenetics, part of Exact Sciences
Classification: Likely benign for RPGR-related condition. Last evaluated: 2025-08-29. Review status: criteria provided, single submitter. Criteria: ACMG Guidelines, 2015. Collection method: clinical testing. Allele origin: germline.
Comment: This variant is classified as likely benign based on ACMG/AMP sequence variant interpretation guidelines (Richards et al. 2015 PMID: 25741868, with internal and published modifications).

Blueprint Genetics
Classification: Likely benign. Last evaluated: 2019-04-17. Review status: criteria provided, single submitter. Criteria: ACMG Guidelines, 2015. Collection method: clinical testing. Allele origin: germline.

NM_001034853.2(RPGR):c.2220A>G (p.Glu740=)

Gene: RPGR (retinitis pigmentosa GTPase regulator; minus strand). Cytogenetic location: Xp11.4.
Variant type: single nucleotide variant.
Coding change: c.2220A>G on transcript NM_001034853.2 (MANE Select); coding-DNA position 2220, A replaced by G.
Protein change: p.Glu740=; no amino-acid change (glutamic acid 740 retained).
Molecular consequence: synonymous variant. On other transcripts: intron variant (8).
Genome position (GRCh38, 1-based): chrX:38,286,779, T>C on the plus strand (A>G on the coding strand, the complement: RPGR is on the minus strand). VCF-style: chrX-38286779-T-C. GRCh37 (hg19) VCF-style: chrX-38146032-T-C.
Other names: c.2220A>G (NM_001034853.1); c.1569+4180A>G (NM_001367249.1, NM_001367250.1); c.1902+315A>G (NM_001367245.1); c.1386+4180A>G (NM_001367251.1); c.1719+315A>G (NM_001367246.1); c.1572+4180A>G (NM_001367247.1); c.1905+315A>G (NM_000328.3); c.1602+4180A>G (NM_001367248.1).
Identifiers: ClinVar variation 1930562 (VCV001930562.7), dbSNP rs149101436, ClinGen allele CA10385300.
Genomic context (GRCh38, chrX:38,286,779, plus strand): 5'-TTCTCCTTCCTCTTTCCCTTCTCCCTCCTTCTCTTCTTCCTCTTCTCTGTCTCCCTCCTC[T>C]TCTTCTCCTTCTCCATGCTCCTCCTCCCCTCCCTCCTCCATCTCTTGGTTTCTTTCCTTC-3'
Protein context (NP_001030025.1, residues 730-750): GGEEEHGEGE[Glu740=]EEGDREEEEE